The following is an entry in ClinVar:

ClinVar aggregate classification (germline): Uncertain significance (1 of 4 stars; one submission).

Conditions:
Perlman syndrome (PRLMNS). Identifiers: Orphanet 2849, MedGen C0796113, MONDO:0009965, OMIM 267000.

Submission:

Labcorp Genetics (formerly Invitae), Labcorp
Classification: Uncertain significance for Perlman syndrome. Last evaluated: 2023-10-03. Review status: criteria provided, single submitter. Criteria: Invitae Variant Classification Sherloc (09022015). Collection method: clinical testing. Allele origin: germline.
Comment: This sequence change replaces valine, which is neutral and non-polar, with methionine, which is neutral and non-polar, at codon 786 of the DIS3L2 protein (p.Val786Met). This variant is present in population databases (rs569638131, gnomAD 0.0009%). This variant has not been reported in the literature in individuals affected with DIS3L2-related conditions. ClinVar contains an entry for this variant (Variation ID: 531908). Advanced modeling of protein sequence and biophysical properties (such as structural, functional, and spatial information, amino acid conservation, physicochemical variation, residue mobility, and thermodynamic stability) has been performed at Invitae for this missense variant, however the output from this modeling did not meet the statistical confidence thresholds required to predict the impact of this variant on DIS3L2 protein function. In summary, the available evidence is currently insufficient to determine the role of this variant in disease. Therefore, it has been classified as a Variant of Uncertain Significance.

NM_152383.5(DIS3L2):c.2356G>A (p.Val786Met)

Gene: DIS3L2 (DIS3 like 3'-5' exoribonuclease 2; plus strand). Cytogenetic location: 2q37.1.
Variant type: single nucleotide variant.
Coding change: c.2356G>A on transcript NM_152383.5 (MANE Select); coding-DNA position 2356, G replaced by A.
Protein change: p.Val786Met; replaces valine 786 with methionine.
Molecular consequence: missense variant. On other transcripts: non-coding transcript variant (2), intron variant (1).
Genome position (GRCh38, 1-based): chr2:232,334,697, G>A. VCF-style: chr2-232334697-G-A. GRCh37 (hg19) VCF-style: chr2-233199407-G-A.
Other names: c.1582-8648G>A (NM_001257281.2); short protein forms V786M.
Identifiers: ClinVar variation 531908 (VCV000531908.8), dbSNP rs569638131, ClinGen allele CA2164508.